The following is an entry in ClinVar:

ClinVar aggregate classification (germline): Uncertain significance. Review status: criteria provided, multiple submitters, no conflicts (2 of 4 stars). 2 submissions from 2 submitters: Uncertain significance (2). Last evaluated 2025-02-25.

Conditions:
Arrhythmogenic right ventricular dysplasia 8 (ARVD8). Also called: Arrhythmogenic Right Ventricular Dysplasia/Cardiomyopathy 8; ARRHYTHMOGENIC RIGHT VENTRICULAR DYSPLASIA, FAMILIAL, 8; ARRHYTHMOGENIC RIGHT VENTRICULAR CARDIOMYOPATHY 8. Identifiers: MedGen C1843896, MONDO:0011831, OMIM 607450.
Arrhythmogenic cardiomyopathy with wooly hair and keratoderma. Also called: Dilated cardiomyopathy with woolly hair and keratoderma; Arrhythmogenic cardiomyopathy with woolly hair and keratoderma; PALMOPLANTAR KERATODERMA WITH LEFT VENTRICULAR CARDIOMYOPATHY AND WOOLLY HAIR; Carvajal syndrome. Identifiers: Orphanet 65282, MedGen C1854063, MONDO:0011581, OMIM 605676.

Allele frequency attached by ClinVar (database versions not stated): gnomAD exomes below 0.00001.
gnomAD v4.1: 2 of 1,614,158 alleles (0.00012%); highest among the groups gnomAD compares: Non-Finnish European, 0.00017%; no homozygotes.

Submissions (2):

GeneDx
Classification: Uncertain significance. Last evaluated: 2025-02-25. Review status: criteria provided, single submitter. Criteria: GeneDx Variant Classification Process June 2021. Collection method: clinical testing. Allele origin: germline. Affected: yes.
Comment: Not observed at significant frequency in large population cohorts (gnomAD); In silico analysis supports that this missense variant has a deleterious effect on protein structure/function; Has not been previously published as pathogenic or benign to our knowledge

Labcorp Genetics (formerly Invitae), Labcorp
Classification: Uncertain significance for Arrhythmogenic cardiomyopathy with wooly hair and keratoderma; Arrhythmogenic right ventricular dysplasia 8. Last evaluated: 2019-07-08. Review status: criteria provided, single submitter. Criteria: Invitae Variant Classification Sherloc (09022015). Collection method: clinical testing. Allele origin: germline.
Comment: This variant is not present in population databases (ExAC no frequency). This sequence change replaces alanine with threonine at codon 2621 of the DSP protein (p.Ala2621Thr). The alanine residue is highly conserved and there is a small physicochemical difference between alanine and threonine. In summary, this variant has uncertain impact on DSP function. The available evidence is currently insufficient to determine its role in disease. Therefore, it has been classified as a Variant of Uncertain Significance. Algorithms developed to predict the effect of missense changes on protein structure and function (SIFT, PolyPhen-2, Align-GVGD) all suggest that this variant is likely to be disruptive, but these predictions have not been confirmed by published functional studies and their clinical significance is uncertain. This variant has not been reported in the literature in individuals with a DSP-related disease.

NM_004415.4(DSP):c.7861G>A (p.Ala2621Thr)

Gene: DSP (desmoplakin; plus strand). Cytogenetic location: 6p24.3.
Variant type: single nucleotide variant.
Coding change: c.7861G>A on transcript NM_004415.4 (MANE Select); coding-DNA position 7861, G replaced by A.
Protein change: p.Ala2621Thr; replaces alanine 2621 with threonine.
Molecular consequence: missense variant.
Genome position (GRCh38, 1-based): chr6:7,585,123, G>A. VCF-style: chr6-7585123-G-A. GRCh37 (hg19) VCF-style: chr6-7585356-G-A.
Other names: c.7861G>A (LRG_423t1); c.6064G>A, p.Ala2022Thr (NM_001008844.3); c.6532G>A, p.Ala2178Thr (NM_001319034.2); short protein forms A2621T, A2022T, A2178T.
Identifiers: ClinVar variation 465913 (VCV000465913.12), dbSNP rs1554109107, ClinGen allele CA362693936.